The following is an entry in ClinVar:

ClinVar aggregate classification (germline): Likely benign. Review status: criteria provided, multiple submitters, no conflicts (2 of 4 stars). 3 submissions from 2 submitters: Likely benign (3). Last evaluated 2025-09-22.

Conditions:
Alternating hemiplegia of childhood 2 (AHC2). Also called: Alternating Hemiplegia of Childhood (AHC). Identifiers: Orphanet 2131, MedGen C3553788, MONDO:0013900, OMIM 614820.
Dystonia 12 (DYT12). Also called: DYT-ATP1A3; Rapid-Onset Dystonia-Parkinsonism (RDP). Identifiers: Orphanet 71517, MedGen C1868681, MONDO:0007496, OMIM 128235.

Allele frequency attached by ClinVar (database versions not stated): gnomAD exomes 0.00001; TOPMed 0.00002; gnomAD 0.00003; ESP Exome Variant Server 0.00008.
gnomAD v4.1: 12 of 1,612,942 alleles (0.00074%); highest among the groups gnomAD compares: Admixed American, 0.0017%; no homozygotes.

Submissions (3):

Labcorp Genetics (formerly Invitae), Labcorp
Classification: Likely benign for Dystonia 12. Last evaluated: 2025-09-22. Review status: criteria provided, single submitter. Criteria: Invitae Variant Classification Sherloc (09022015). Collection method: clinical testing. Allele origin: germline.

Illumina Laboratory Services, Illumina
Classification: Likely benign for Dystonia 12. Last evaluated: 2018-01-13. Review status: criteria provided, single submitter. Criteria: ICSL Variant Classification Criteria 13 December 2019. Collection method: clinical testing. Allele origin: germline.
Comment: This variant was observed in the ICSL laboratory as part of a predisposition screen in an ostensibly healthy population. It had not been previously curated by ICSL or reported in the Human Gene Mutation Database (HGMD: prior to June 1st, 2018), and was therefore a candidate for classification through an automated scoring system. Utilizing variant allele frequency, disease prevalence and penetrance estimates, and inheritance mode, an automated score was calculated to assess if this variant is too frequent to cause the disease. Based on the score and internal cut-off values, a variant classified as likely benign is not then subjected to further curation. The score for this variant resulted in a classification of likely benign for this disease.

Illumina Laboratory Services, Illumina
Classification: Likely benign for Alternating hemiplegia of childhood 2. Last evaluated: 2018-01-13. Review status: criteria provided, single submitter. Criteria: ICSL Variant Classification Criteria 13 December 2019. Collection method: clinical testing. Allele origin: germline.
Comment: the same text as in the submission from Illumina Laboratory Services, Illumina above.

NM_152296.5(ATP1A3):c.1806+14T>C

Gene: ATP1A3 (ATPase Na+/K+ transporting subunit alpha 3; minus strand). Cytogenetic location: 19q13.2.
Variant type: single nucleotide variant.
Coding change: c.1806+14T>C on transcript NM_152296.5 (MANE Select); 14 bases into the intron after coding-DNA position 1806, T replaced by C.
Molecular consequence: intron variant.
Genome position (GRCh38, 1-based): chr19:41,978,137, A>G on the plus strand (T>C on the coding strand, the complement: ATP1A3 is on the minus strand). VCF-style: chr19-41978137-A-G. GRCh37 (hg19) VCF-style: chr19-42482289-A-G.
Other names: c.1845+14T>C (NM_001256214.2); c.1839+14T>C (NM_001256213.2).
Identifiers: ClinVar variation 329412 (VCV000329412.9), dbSNP rs377372631, ClinGen allele CA9467567.